The following is an entry in ClinVar:

ClinVar aggregate classification (germline): Uncertain significance (1 of 4 stars; one submission).

Conditions:
Inborn genetic diseases. Identifiers: MedGen C0950123, MeSH D030342.

gnomAD v4.1: 1 of 1,614,134 alleles (0.000062%); highest among the groups gnomAD compares: Admixed American, 0.0017%; no homozygotes.

Submission:

Ambry Genetics
Classification: Uncertain significance for Inborn genetic diseases. Last evaluated: 2026-05-27. Review status: criteria provided, single submitter. Criteria: Ambry Variant Classification Scheme 2023. Collection method: clinical testing. Allele origin: germline.
Comment: The c.2783T>A (p.F928Y) alteration is located in exon 23 (coding exon 23) of the WDR11 gene. This alteration results from a T to A substitution at nucleotide position 2783, causing the phenylalanine (F) at amino acid position 928 to be replaced by a tyrosine (Y). Based on data from gnomAD, the A allele has an overall frequency of <0.001% (1/251406) total alleles studied. The highest observed frequency was 0.003% (1/34572) of Latino alleles. Based on insufficient or conflicting evidence, the clinical significance of this alteration remains unclear.

NM_018117.12(WDR11):c.2783T>A (p.Phe928Tyr)

Gene: WDR11 (WD repeat domain 11; plus strand). Cytogenetic location: 10q26.12.
Variant type: single nucleotide variant.
Coding change: c.2783T>A on transcript NM_018117.12 (MANE Select); coding-DNA position 2783, T replaced by A.
Protein change: p.Phe928Tyr; replaces phenylalanine 928 with tyrosine.
Molecular consequence: missense variant.
Genome position (GRCh38, 1-based): chr10:120,903,084, T>A. VCF-style: chr10-120903084-T-A. GRCh37 (hg19) VCF-style: chr10-122662596-T-A.
Other names: short protein forms F928Y.
Identifiers: ClinVar variation 4866484 (VCV004866484.1).